The following is an entry in ClinVar:

NM_170707.4(LMNA):c.1723G>A (p.Asp575Asn)

Gene: LMNA (lamin A/C; plus strand). Cytogenetic location: 1q22.
Variant type: single nucleotide variant.
Coding change: c.1723G>A on transcript NM_170707.4 (MANE Select); coding-DNA position 1723, G replaced by A.
Protein change: p.Asp575Asn; replaces aspartic acid 575 with asparagine.
Molecular consequence: missense variant.
Genome position (GRCh38, 1-based): chr1:156,138,512, G>A. VCF-style: chr1-156138512-G-A. GRCh37 (hg19) VCF-style: chr1-156108303-G-A.
Other names: c.1387G>A, p.Asp463Asn (NM_001257374.3, NM_001406989.1); c.1723G>A, p.Asp575Asn (NM_001282626.2, NM_001406983.1, NM_001406985.1 and 1 more transcripts); c.1480G>A, p.Asp494Asn (NM_001406986.1, NM_001406987.1); c.1426G>A, p.Asp476Asn (NM_001406988.1); c.1165G>A, p.Asp389Asn (NM_001406990.1, NM_001406993.1, NM_001406995.1 and 2 more transcripts); c.1099G>A, p.Asp367Asn (NM_001406994.1, NM_001406999.1, NM_001407000.1 and 1 more transcripts); c.1633G>A, p.Asp545Asn (NM_170708.4); short protein forms D476N, D463N, D545N, D575N, D367N, D389N, D494N.
Identifiers: ClinVar variation 3633639 (VCV003633639.2).

ClinVar aggregate classification (germline): Uncertain significance (1 of 4 stars; one submission).

Conditions:
Charcot-Marie-Tooth disease type 2. Also called: Charcot-Marie-Tooth type 2. Identifiers: Orphanet 64746, MedGen C0270914, MONDO:0018993.

Submission:

Labcorp Genetics (formerly Invitae), Labcorp
Classification: Uncertain significance for Charcot-Marie-Tooth disease type 2. Last evaluated: 2024-05-16. Review status: criteria provided, single submitter. Criteria: Invitae Variant Classification Sherloc (09022015). Collection method: clinical testing. Allele origin: germline.
Comment: This sequence change replaces aspartic acid, which is acidic and polar, with asparagine, which is neutral and polar, at codon 575 of the LMNA protein (p.Asp575Asn). This variant is not present in population databases (gnomAD no frequency). This variant has not been reported in the literature in individuals affected with LMNA-related conditions. Advanced modeling of protein sequence and biophysical properties (such as structural, functional, and spatial information, amino acid conservation, physicochemical variation, residue mobility, and thermodynamic stability) performed at Invitae indicates that this missense variant is expected to disrupt LMNA protein function with a positive predictive value of 95%. In summary, the available evidence is currently insufficient to determine the role of this variant in disease. Therefore, it has been classified as a Variant of Uncertain Significance.